The following is an entry in ClinVar:

ClinVar aggregate classification (germline): Uncertain significance (1 of 4 stars; one submission).

gnomAD v4.1: 3 of 1,612,404 alleles (0.00019%); highest among the groups gnomAD compares: East Asian, 0.0067%; no homozygotes.

Submission:

Labcorp Genetics (formerly Invitae), Labcorp
Classification: Uncertain significance. Last evaluated: 2023-10-09. Review status: criteria provided, single submitter. Criteria: Invitae Variant Classification Sherloc (09022015). Collection method: clinical testing. Allele origin: germline.
Comment: This sequence change replaces serine, which is neutral and polar, with isoleucine, which is neutral and non-polar, at codon 2 of the ACAD9 protein (p.Ser2Ile). This variant is present in population databases (no rsID available, gnomAD 0.01%). This variant has not been reported in the literature in individuals affected with ACAD9-related conditions. Advanced modeling of protein sequence and biophysical properties (such as structural, functional, and spatial information, amino acid conservation, physicochemical variation, residue mobility, and thermodynamic stability) performed at Invitae indicates that this missense variant is not expected to disrupt ACAD9 protein function. In summary, the available evidence is currently insufficient to determine the role of this variant in disease. Therefore, it has been classified as a Variant of Uncertain Significance.

NM_014049.5(ACAD9):c.5G>T (p.Ser2Ile)

Gene: ACAD9 (acyl-CoA dehydrogenase family member 9; plus strand). Cytogenetic location: 3q21.3.
Variant type: single nucleotide variant.
Coding change: c.5G>T on transcript NM_014049.5 (MANE Select); coding-DNA position 5, G replaced by T.
Protein change: p.Ser2Ile; replaces serine 2 with isoleucine.
Molecular consequence: missense variant. On other transcripts: 5 prime UTR variant (1), non-coding transcript variant (1).
Genome position (GRCh38, 1-based): chr3:128,879,696, G>T. VCF-style: chr3-128879696-G-T. GRCh37 (hg19) VCF-style: chr3-128598539-G-T.
Other names: c.-271G>T (NM_001410805.1); short protein forms S2I.
Identifiers: ClinVar variation 2972388 (VCV002972388.2), dbSNP rs761385146, ClinGen allele CA354429491.